The following is an entry in ClinVar:

ClinVar aggregate classification (germline): Uncertain significance (1 of 4 stars; one submission).

Conditions:
Neuronal ceroid lipofuscinosis 1 (CLN1). Also called: CEROID LIPOFUSCINOSIS, NEURONAL, 1, VARIABLE AGE AT ONSET; PPT1-Related Neuronal Ceroid-Lipofuscinosis. Identifiers: Orphanet 228329, MedGen C1850451, MONDO:0009744, OMIM 256730.

Allele frequency attached by ClinVar (database versions not stated): gnomAD 0.00001; TOPMed 0.00003.
gnomAD v4.1: 10 of 1,613,596 alleles (0.00062%); highest among the groups gnomAD compares: Admixed American, 0.0033%; no homozygotes.

Submission:

Labcorp Genetics (formerly Invitae), Labcorp
Classification: Uncertain significance for Neuronal ceroid lipofuscinosis 1. Last evaluated: 2022-09-07. Review status: criteria provided, single submitter. Criteria: Invitae Variant Classification Sherloc (09022015). Collection method: clinical testing. Allele origin: germline.
Comment: This sequence change replaces arginine, which is basic and polar, with glutamine, which is neutral and polar, at codon 209 of the PPT1 protein (p.Arg209Gln). This variant is present in population databases (rs201265025, gnomAD 0.006%). This variant has not been reported in the literature in individuals affected with PPT1-related conditions. ClinVar contains an entry for this variant (Variation ID: 1447212). Algorithms developed to predict the effect of missense changes on protein structure and function (SIFT, PolyPhen-2, Align-GVGD) all suggest that this variant is likely to be tolerated. Algorithms developed to predict the effect of sequence changes on RNA splicing suggest that this variant is not likely to affect RNA splicing. In summary, the available evidence is currently insufficient to determine the role of this variant in disease. Therefore, it has been classified as a Variant of Uncertain Significance.

NM_000310.4(PPT1):c.626G>A (p.Arg209Gln)

Gene: PPT1 (palmitoyl-protein thioesterase 1; minus strand). Cytogenetic location: 1p34.2.
Variant type: single nucleotide variant.
Coding change: c.626G>A on transcript NM_000310.4 (MANE Select); coding-DNA position 626, G replaced by A.
Protein change: p.Arg209Gln; replaces arginine 209 with glutamine.
Molecular consequence: missense variant.
Genome position (GRCh38, 1-based): chr1:40,080,398, C>T on the plus strand (G>A on the coding strand, the complement: PPT1 is on the minus strand). VCF-style: chr1-40080398-C-T. GRCh37 (hg19) VCF-style: chr1-40546070-C-T.
Other names: c.317G>A, p.Arg106Gln (NM_001142604.2); c.626G>A, p.Arg209Gln (NM_001363695.2); short protein forms R106Q, R209Q.
Identifiers: ClinVar variation 1447212 (VCV001447212.5), dbSNP rs201265025, ClinGen allele CA789637.
Genomic context (GRCh38, chr1:40,080,398, plus strand): 5'-ATGAAGACCTAAACAGGAAAAAGAACGCACATCTATGGGAGCCCGGTTTGGGTGCTTACC[C>T]GCTCCTGATTTATATCTGCCAAGAAGATGCTGTGGTTGCGATACACATCCTCCTTTATGG-3'
Protein context (NP_000301.1, residues 199-219): SIFLADINQE[Arg209Gln]GINESYKKNL